The following is an entry in ClinVar:

NM_003640.5(ELP1):c.3701-1G>A

Gene: ELP1 (elongator acetyltransferase complex subunit 1; minus strand). Cytogenetic location: 9q31.3.
Variant type: single nucleotide variant.
Coding change: c.3701-1G>A on transcript NM_003640.5 (MANE Select); the canonical splice acceptor site of the intron before coding-DNA position 3701, G replaced by A.
Molecular consequence: splice acceptor variant.
Genome position (GRCh38, 1-based): chr9:108,878,150, C>T on the plus strand (G>A on the coding strand, the complement: ELP1 is on the minus strand). VCF-style: chr9-108878150-C-T. GRCh37 (hg19) VCF-style: chr9-111640430-C-T.
Other names: c.3359-1G>A (NM_001318360.2); c.2654-1G>A (NM_001330749.2).
Identifiers: ClinVar variation 552298 (VCV000552298.6), dbSNP rs1554691572, ClinGen allele CA374410866.

ClinVar aggregate classification (germline): Likely pathogenic. Review status: criteria provided, multiple submitters, no conflicts (2 of 4 stars). 3 submissions from 3 submitters: Likely pathogenic (2). 1 of the submissions does not count toward it. Last evaluated 2024-05-15.

Conditions:
Medulloblastoma (MDB). Also called: MEDULLOBLASTOMA PREDISPOSITION SYNDROME; Medulloblastoma, somatic. Identifiers: Orphanet 616, MedGen C0025149, MeSH D008527, MONDO:0007959, OMIM 155255, HP:0002885.
Familial dysautonomia. Also called: FD; HSAN III. Identifiers: Orphanet 1764, MedGen C0013364, MONDO:0009131, OMIM 223900. Disease mechanism: loss of function.

Allele frequency attached by ClinVar (database versions not stated): gnomAD exomes below 0.00001.
gnomAD v4.1: 1 of 1,603,590 alleles (0.000062%); highest among the groups gnomAD compares: South Asian, 0.0011%; no homozygotes.

Submissions (3):

Fulgent Genetics
Classification: Likely pathogenic for Medulloblastoma; Familial dysautonomia. Last evaluated: 2024-05-15. Review status: criteria provided, single submitter. Criteria: ACMG Guidelines, 2015. Collection method: clinical testing. Allele origin: germline.

Labcorp Genetics (formerly Invitae), Labcorp
Classification: Likely pathogenic. Last evaluated: 2023-01-24. Review status: criteria provided, single submitter. Criteria: Invitae Variant Classification Sherloc (09022015). Collection method: clinical testing. Allele origin: germline.
Comment: This sequence change affects an acceptor splice site in intron 34 of the ELP1 gene. It is expected to disrupt RNA splicing. Variants that disrupt the donor or acceptor splice site typically lead to a loss of protein function (PMID: 16199547), and loss-of-function variants in ELP1 are known to be pathogenic (PMID: 18303054, 24173031). This variant is not present in population databases (gnomAD no frequency). This variant has not been reported in the literature in individuals affected with ELP1-related conditions. ClinVar contains an entry for this variant (Variation ID: 552298). Algorithms developed to predict the effect of sequence changes on RNA splicing suggest that this variant may disrupt the consensus splice site. In summary, the currently available evidence indicates that the variant is pathogenic, but additional data are needed to prove that conclusively. Therefore, this variant has been classified as Likely Pathogenic.

Counsyl
Classification: Likely pathogenic for Familial dysautonomia. Last evaluated: 2017-06-02. Review status: no assertion criteria provided. Collection method: clinical testing. Allele origin: unknown. Not counted in ClinVar's aggregate classification.

Literature cited by the submitters: PubMed 16199547 (cited by Labcorp Genetics (formerly Invitae), Labcorp); PubMed 18303054 (cited by Labcorp Genetics (formerly Invitae), Labcorp); PubMed 24173031 (cited by Labcorp Genetics (formerly Invitae), Labcorp).